The following is an entry in ClinVar:

NM_017780.4(CHD7):c.5320C>A (p.Pro1774Thr)

Gene: CHD7 (chromodomain helicase DNA binding protein 7; plus strand). Cytogenetic location: 8q12.2.
Variant type: single nucleotide variant.
Coding change: c.5320C>A on transcript NM_017780.4 (MANE Select); coding-DNA position 5320, C replaced by A.
Protein change: p.Pro1774Thr; replaces proline 1774 with threonine.
Molecular consequence: missense variant. On other transcripts: intron variant (1).
Genome position (GRCh38, 1-based): chr8:60,849,070, C>A. VCF-style: chr8-60849070-C-A. GRCh37 (hg19) VCF-style: chr8-61761629-C-A.
Other names: c.1717-13159C>A (NM_001316690.1); short protein forms P1774T.
Identifiers: ClinVar variation 3661613 (VCV003661613.2).

ClinVar aggregate classification (germline): Uncertain significance (1 of 4 stars; one submission).

Conditions:
CHARGE syndrome (CHARGE). Also called: Hittner Hirsch Kreh syndrome; CHARGE ASSOCIATION--COLOBOMA, HEART ANOMALY, CHOANAL ATRESIA, RETARDATION, GENITAL AND EAR ANOMALIES; Coloboma, heart anomaly, choanal atresia, retardation, genital and ear anomalies; CHARGE association; Hall-Hittner syndrome. Identifiers: Orphanet 138, MedGen C0265354, MONDO:0008965.

Submission:

Labcorp Genetics (formerly Invitae), Labcorp
Classification: Uncertain significance for CHARGE syndrome. Last evaluated: 2024-09-04. Review status: criteria provided, single submitter. Criteria: Invitae Variant Classification Sherloc (09022015). Collection method: clinical testing. Allele origin: germline.
Comment: This sequence change replaces proline, which is neutral and non-polar, with threonine, which is neutral and polar, at codon 1774 of the CHD7 protein (p.Pro1774Thr). This variant is not present in population databases (gnomAD no frequency). This variant has not been reported in the literature in individuals affected with CHD7-related conditions. Invitae Evidence Modeling of protein sequence and biophysical properties (such as structural, functional, and spatial information, amino acid conservation, physicochemical variation, residue mobility, and thermodynamic stability) indicates that this missense variant is expected to disrupt CHD7 protein function with a positive predictive value of 95%. In summary, the available evidence is currently insufficient to determine the role of this variant in disease. Therefore, it has been classified as a Variant of Uncertain Significance.